The following is an entry in ClinVar:

NM_015241.3(MICAL3):c.3501G>C (p.Leu1167=)

Gene: MICAL3 (microtubule associated monooxygenase, calponin and LIM domain containing 3; minus strand). Cytogenetic location: 22q11.21.
Variant type: single nucleotide variant.
Coding change: c.3501G>C on transcript NM_015241.3 (MANE Select); coding-DNA position 3501, G replaced by C.
Protein change: p.Leu1167=; no amino-acid change (leucine 1167 retained).
Molecular consequence: synonymous variant.
Genome position (GRCh38, 1-based): chr22:17,821,457, C>G on the plus strand (G>C on the coding strand, the complement: MICAL3 is on the minus strand). VCF-style: chr22-17821457-C-G. GRCh37 (hg19) VCF-style: chr22-18304223-C-G.
Identifiers: ClinVar variation 3341746 (VCV003341746.16).

ClinVar aggregate classification (germline): Likely benign (1 of 4 stars; one submission).

gnomAD v4.1: 280 of 1,546,238 alleles (0.018%); highest among the groups gnomAD compares: Admixed American, 0.022%; no homozygotes.

Submission:

CeGaT Center for Human Genetics Tuebingen
Classification: Likely benign. Last evaluated: 2024-08-01. Review status: criteria provided, single submitter. Criteria: CeGaT Center For Human Genetics Tuebingen Variant Classification Criteria Version 2. Collection method: clinical testing. Allele origin: germline. Affected: yes. Observed: 1 variant allele.
Comment: MICAL3: BP4, BP7